The following is an entry in ClinVar:

NM_017780.4(CHD7):c.4216_4217del (p.Ser1406fs)

Gene: CHD7 (chromodomain helicase DNA binding protein 7; plus strand). Cytogenetic location: 8q12.2.
Variant type: Microsatellite.
Coding change: c.4216_4217del on transcript NM_017780.4 (MANE Select); coding-DNA positions 4216 to 4217, 2 bases deleted (AG; older notation c.4216_4217delAG).
Protein change: p.Ser1406fs; shifts the reading frame from serine 1406.
Molecular consequence: frameshift variant. On other transcripts: intron variant (1).
Genome position (GRCh38, 1-based): chr8:60,837,698-60,837,699, AG deleted; deleting any 2 consecutive bases within chr8:60,837,696-60,837,699 gives the same sequence; the c. name uses the placement nearest the transcript's 3' end. VCF-style (leftmost placement, unchanged base first): chr8-60837695-CAG-C. GRCh37 (hg19) VCF-style: chr8-61750254-CAG-C.
Other names: c.1717-24531_1717-24530del (NM_001316690.1); short protein forms S1406fs.
Identifiers: ClinVar variation 2758962 (VCV002758962.3), dbSNP rs2487910319, ClinGen allele CA2697549924.

ClinVar aggregate classification (germline): Pathogenic (1 of 4 stars; one submission).

Conditions:
CHARGE syndrome (CHARGE). Also called: Hittner Hirsch Kreh syndrome; CHARGE ASSOCIATION--COLOBOMA, HEART ANOMALY, CHOANAL ATRESIA, RETARDATION, GENITAL AND EAR ANOMALIES; Coloboma, heart anomaly, choanal atresia, retardation, genital and ear anomalies; CHARGE association; Hall-Hittner syndrome. Identifiers: Orphanet 138, MedGen C0265354, MONDO:0008965.

Submission:

Labcorp Genetics (formerly Invitae), Labcorp
Classification: Pathogenic for CHARGE syndrome. Last evaluated: 2023-09-08. Review status: criteria provided, single submitter. Criteria: Invitae Variant Classification Sherloc (09022015). Collection method: clinical testing. Allele origin: germline.
Comment: For these reasons, this variant has been classified as Pathogenic. This variant has not been reported in the literature in individuals affected with CHD7-related conditions. This variant is not present in population databases (gnomAD no frequency). This sequence change creates a premature translational stop signal (p.Ser1406Glnfs*15) in the CHD7 gene. It is expected to result in an absent or disrupted protein product. Loss-of-function variants in CHD7 are known to be pathogenic (PMID: 22461308, 25077900).

Literature cited by the submitters: PubMed 22461308; PubMed 25077900.